The following is an entry in ClinVar:

ClinVar aggregate classification (germline): Benign/Likely benign. Review status: criteria provided, multiple submitters, no conflicts (2 of 4 stars). 14 submissions from 12 submitters: Benign (12); Likely benign (1). 1 of the submissions does not count toward it. Last evaluated 2026-02-04.

Conditions:
Usher syndrome type 1 (USH1). Also called: RETINITIS PIGMENTOSA AND CONGENITAL DEAFNESS. Identifiers: Orphanet 231169, Orphanet 886, MedGen C1568247, MONDO:0010168, OMIM 276900.
Retinitis pigmentosa-deafness syndrome. Also called: Dystrophia retinae pigmentosa-dysostosis syndrome; Graefe-Usher syndrome; Hallgren syndrome; RETINITIS PIGMENTOSA 21; RETINITIS PIGMENTOSA 8; Retinitis pigmentosa 8, formerly. Identifiers: MedGen C5779620, MONDO:0010775, OMIM 500004.
Autosomal recessive nonsyndromic hearing loss 12. Also called: DEAFNESS, AUTOSOMAL RECESSIVE 12. Identifiers: Orphanet 90636, MedGen C1832394, MONDO:0011067, OMIM 601386.
Usher syndrome type 1D (USH1D). Also called: USHER SYNDROME, TYPE ID. Identifiers: Orphanet 231169, Orphanet 886, MedGen C1832845, MONDO:0010984, OMIM 601067.

Allele frequency attached by ClinVar (database versions not stated): gnomAD 0.27841 and 0.28009; TOPMed 0.28420; gnomAD exomes 0.28818 and 0.30810; ExAC 0.29968; 1000 Genomes Project 30x 0.32730; 1000 Genomes Project 0.32827; ESP Exome Variant Server 0.25433.
gnomAD v4.1: 463,730 of 1,613,748 alleles (29%); highest among the groups gnomAD compares: East Asian, 57%; 70,103 homozygotes.

Submissions (14):

Labcorp Genetics (formerly Invitae), Labcorp
Classification: Benign. Last evaluated: 2026-02-04. Review status: criteria provided, single submitter. Criteria: Invitae Variant Classification Sherloc (09022015). Collection method: clinical testing. Allele origin: germline.

Women's Health and Genetics/Laboratory Corporation of America, LabCorp
Classification: Likely benign. Last evaluated: 2025-11-14. Review status: criteria provided, single submitter. Criteria: LabCorp Variant Classification Summary - May 2015. Collection method: clinical testing. Allele origin: germline.

Genome-Nilou Lab
Classification: Benign for Usher syndrome type 1D. Last evaluated: 2021-07-01. Review status: criteria provided, single submitter. Criteria: ACMG Guidelines, 2015. Collection method: clinical testing. Allele origin: germline. Affected: no.

Genome-Nilou Lab
Classification: Benign for Autosomal recessive nonsyndromic hearing loss 12. Last evaluated: 2021-07-01. Review status: criteria provided, single submitter. Criteria: ACMG Guidelines, 2015. Collection method: clinical testing. Allele origin: germline. Affected: no.

Mayo Clinic Laboratories, Mayo Clinic
Classification: Benign. Last evaluated: 2020-10-01. Review status: criteria provided, single submitter. Criteria: ACMG Guidelines, 2015. Collection method: clinical testing. Allele origin: germline. Observed: 79 variant alleles.

Mendelics
Classification: Benign for Retinitis pigmentosa-deafness syndrome. Last evaluated: 2019-05-28. Review status: criteria provided, single submitter. Criteria: Mendelics Assertion Criteria 2017. Collection method: clinical testing. Allele origin: unknown.

Illumina Laboratory Services, Illumina
Classification: Benign for Autosomal recessive nonsyndromic hearing loss 12. Last evaluated: 2018-01-13. Review status: criteria provided, single submitter. Criteria: ICSL Variant Classification Criteria 13 December 2019. Collection method: clinical testing. Allele origin: germline.
Comment: This variant was observed in the ICSL laboratory as part of a predisposition screen in an ostensibly healthy population. It had not been previously curated by ICSL or reported in the Human Gene Mutation Database (HGMD: prior to June 1st, 2018), and was therefore a candidate for classification through an automated scoring system. Utilizing variant allele frequency, disease prevalence and penetrance estimates, and inheritance mode, an automated score was calculated to assess if this variant is too frequent to cause the disease. Based on the score and internal cut-off values, a variant classified as benign is not then subjected to further curation. The score for this variant resulted in a classification of benign for this disease.

Illumina Laboratory Services, Illumina
Classification: Benign for Usher syndrome type 1D. Last evaluated: 2018-01-13. Review status: criteria provided, single submitter. Criteria: ICSL Variant Classification Criteria 13 December 2019. Collection method: clinical testing. Allele origin: germline.
Comment: the same text as in the submission from Illumina Laboratory Services, Illumina above.

Eurofins Ntd Llc (ga)
Classification: Benign. Last evaluated: 2017-02-27. Review status: criteria provided, single submitter. Criteria: EGL Classification Definitions 2015. Collection method: clinical testing. Allele origin: germline. Observed: 2 variant alleles, 2 homozygotes.

GeneDx
Classification: Benign. Last evaluated: 2013-01-08. Review status: criteria provided, single submitter. Criteria: GeneDx Variant Classification (06012015). Collection method: clinical testing. Allele origin: germline. Affected: yes.
Comment: This variant is considered likely benign or benign based on one or more of the following criteria: it is a conservative change, it occurs at a poorly conserved position in the protein, it is predicted to be benign by multiple in silico algorithms, and/or has population frequency not consistent with disease.

Laboratory for Molecular Medicine, Mass General Brigham Personalized Medicine
Classification: Benign. Last evaluated: 2009-06-12. Review status: criteria provided, single submitter. Criteria: LMM Criteria. Collection method: clinical testing. Allele origin: germline. Observed: 1,050 variant alleles.

Breakthrough Genomics
Classification: Benign. Review status: criteria provided, single submitter. Criteria: ACMG Guidelines, 2015. Collection method: not provided. Allele origin: germline. Inheritance: Autosomal recessive inheritance. Affected: yes.

PreventionGenetics, part of Exact Sciences
Classification: Benign. Review status: criteria provided, single submitter. Criteria: ACMG Guidelines, 2015. Collection method: clinical testing. Allele origin: germline.

Natera, Inc.
Classification: Benign for Usher syndrome type 1. Last evaluated: 2020-09-16. Review status: no assertion criteria provided. Collection method: clinical testing. Allele origin: germline. Not counted in ClinVar's aggregate classification.

NM_022124.6(CDH23):c.7139C>T (p.Pro2380Leu)

Gene: CDH23 (cadherin related 23; plus strand). Cytogenetic location: 10q22.1.
Variant type: single nucleotide variant.
Coding change: c.7139C>T on transcript NM_022124.6 (MANE Select); coding-DNA position 7139, C replaced by T.
Protein change: p.Pro2380Leu; replaces proline 2380 with leucine.
Molecular consequence: missense variant.
Genome position (GRCh38, 1-based): chr10:71,799,195, C>T. VCF-style: chr10-71799195-C-T. GRCh37 (hg19) VCF-style: chr10-73558952-C-T.
Other names: p.P2380L:CCG>CTG; c.419C>T, p.Pro140Leu (NM_001171933.1, NM_001171934.1); short protein forms P2380L, P140L.
Identifiers: ClinVar variation 46028 (VCV000046028.28), dbSNP rs4747195, ClinGen allele CA137565.